The following is an entry in ClinVar:

ClinVar aggregate classification (germline): Uncertain significance (1 of 4 stars; one submission).

Conditions:
Neurodevelopmental disorder with or without hyperkinetic movements and seizures, autosomal dominant. Also called: Intellectual disability, autosomal dominant 8. Identifiers: MedGen C3280282, MONDO:0013655, OMIM 614254.

Submission:

Labcorp Genetics (formerly Invitae), Labcorp
Classification: Uncertain significance for Neurodevelopmental disorder with or without hyperkinetic movements and seizures, autosomal dominant. Last evaluated: 2025-03-31. Review status: criteria provided, single submitter. Criteria: Invitae Variant Classification Sherloc (09022015). Collection method: clinical testing. Allele origin: germline.
Comment: This sequence change replaces valine, which is neutral and non-polar, with isoleucine, which is neutral and non-polar, at codon 157 of the GRIN1 protein (p.Val157Ile). This variant is not present in population databases (gnomAD no frequency). This variant has not been reported in the literature in individuals affected with GRIN1-related conditions. ClinVar contains an entry for this variant (Variation ID: 1525248). Invitae Evidence Modeling of protein sequence and biophysical properties (such as structural, functional, and spatial information, amino acid conservation, physicochemical variation, residue mobility, and thermodynamic stability) indicates that this missense variant is not expected to disrupt GRIN1 protein function with a negative predictive value of 95%. In summary, the available evidence is currently insufficient to determine the role of this variant in disease. Therefore, it has been classified as a Variant of Uncertain Significance.

NM_007327.4(GRIN1):c.469G>A (p.Val157Ile)

Gene: GRIN1 (glutamate ionotropic receptor NMDA type subunit 1; plus strand). Cytogenetic location: 9q34.3.
Variant type: single nucleotide variant.
Coding change: c.469G>A on transcript NM_007327.4 (MANE Select); coding-DNA position 469, G replaced by A.
Protein change: p.Val157Ile; replaces valine 157 with isoleucine.
Molecular consequence: missense variant.
Genome position (GRCh38, 1-based): chr9:137,145,801, G>A. VCF-style: chr9-137145801-G-A. GRCh37 (hg19) VCF-style: chr9-140040253-G-A.
Other names: c.469G>A, p.Val157Ile (NM_000832.7, NM_001185090.2, NM_001185091.2 and 1 more transcripts); short protein forms V157I.
Identifiers: ClinVar variation 1525248 (VCV001525248.8), dbSNP rs2131217304, ClinGen allele CA375713981.